The following is an entry in ClinVar:

NM_000051.4(ATM):c.3824T>C (p.Ile1275Thr)

Gene: ATM (ATM serine/threonine kinase; plus strand). Cytogenetic location: 11q22.3.
Variant type: single nucleotide variant.
Coding change: c.3824T>C on transcript NM_000051.4 (MANE Select); coding-DNA position 3824, T replaced by C.
Protein change: p.Ile1275Thr; replaces isoleucine 1275 with threonine.
Molecular consequence: missense variant.
Genome position (GRCh38, 1-based): chr11:108,284,304, T>C. VCF-style: chr11-108284304-T-C. GRCh37 (hg19) VCF-style: chr11-108155031-T-C.
Other names: c.3824T>C, p.Ile1275Thr (NM_001351834.2); short protein forms I1275T.
Identifiers: ClinVar variation 1735289 (VCV001735289.2), dbSNP rs2135706057, ClinGen allele CA382524915.
Genomic context (GRCh38, chr11:108,284,304, plus strand): 5'-TGATTCCACATCTGGTGATTAGAAGTCATTTTGATGAGGTGAAGTCCATTGCTAATCAGA[T>C]TCAAGAGGACTGGAAAAGTCTTCTAACAGACTGCTTTCCAAAGATTCTTGTAAATATTCT-3'
Protein context (NP_000042.3, residues 1265-1285): FDEVKSIANQ[Ile1275Thr]QEDWKSLLTD

ClinVar aggregate classification (germline): Uncertain significance (1 of 4 stars; one submission).

Conditions:
Hereditary cancer-predisposing syndrome. Also called: Neoplastic Syndromes, Hereditary; Tumor predisposition; Hereditary Cancer Syndrome; Hereditary neoplastic syndrome. Identifiers: Orphanet 140162, MedGen C0027672, MeSH D009386, MONDO:0015356.

Submission:

Ambry Genetics
Classification: Uncertain significance for Hereditary cancer-predisposing syndrome. Last evaluated: 2020-12-03. Review status: criteria provided, single submitter. Criteria: Ambry Variant Classification Scheme 2023. Collection method: clinical testing. Allele origin: germline.
Comment: The p.I1275T variant (also known as c.3824T>C), located in coding exon 25 of the ATM gene, results from a T to C substitution at nucleotide position 3824. The isoleucine at codon 1275 is replaced by threonine, an amino acid with similar properties. This amino acid position is well conserved in available vertebrate species. In addition, the in silico prediction for this alteration is inconclusive. Since supporting evidence is limited at this time, the clinical significance of this alteration remains unclear.